The following is an entry in ClinVar:

NM_000238.4(KCNH2):c.2910G>A (p.Gly970=)

Gene: KCNH2 (potassium voltage-gated channel subfamily H member 2; minus strand). Cytogenetic location: 7q36.1.
Variant type: single nucleotide variant.
Coding change: c.2910G>A on transcript NM_000238.4 (MANE Select); coding-DNA position 2910, G replaced by A.
Protein change: p.Gly970=; no amino-acid change (glycine 970 retained).
Molecular consequence: synonymous variant.
Genome position (GRCh38, 1-based): chr7:150,947,661, C>T on the plus strand (G>A on the coding strand, the complement: KCNH2 is on the minus strand). VCF-style: chr7-150947661-C-T. GRCh37 (hg19) VCF-style: chr7-150644749-C-T.
Other names: c.1890G>A, p.Gly630= (NM_172057.3).
Identifiers: ClinVar variation 1089912 (VCV001089912.10), dbSNP rs2116932035, ClinGen allele CA458870861.

ClinVar aggregate classification (germline): Likely benign. Review status: criteria provided, multiple submitters, no conflicts (2 of 4 stars). 3 submissions from 3 submitters: Likely benign (3). Last evaluated 2023-08-28.

Conditions:
Long QT syndrome (LQTS). Identifiers: MedGen C0023976, MeSH D008133, MONDO:0002442. Disease mechanism: loss of function. Inheritance: Various modes of inheritance.
Cardiac arrhythmia. Also called: Cardiac rhythm disease; Arrhythmia. Identifiers: MedGen C0003811, MONDO:0007263, HP:0011675.

Allele frequency attached by ClinVar (database versions not stated): gnomAD exomes below 0.00001.
gnomAD v4.1: 1 of 1,609,976 alleles (0.000062%); highest among the groups gnomAD compares: Non-Finnish European, 0.000085%; no homozygotes.

Submissions (3):

All of Us Research Program, National Institutes of Health
Classification: Likely benign for Long QT syndrome. Last evaluated: 2023-08-28. Review status: criteria provided, single submitter. Criteria: ACMG Guidelines, 2015. Collection method: clinical testing. Allele origin: germline. Inheritance: Autosomal dominant inheritance. Observed: 1 variant allele, 1 heterozygote.
Comment: This study involves interpretation of variants in research participants for the purpose of population health screening. Participant phenotype was not available at the time of variant classification. Additional details can be found in publication PMID: 35346344, PMCID: PMC8962531

Color Diagnostics, LLC DBA Color Health
Classification: Likely benign for Cardiac arrhythmia. Last evaluated: 2023-08-16. Review status: criteria provided, single submitter. Criteria: ACMG Guidelines, 2015. Collection method: clinical testing. Allele origin: germline.

Labcorp Genetics (formerly Invitae), Labcorp
Classification: Likely benign for Long QT syndrome. Last evaluated: 2022-06-13. Review status: criteria provided, single submitter. Criteria: Invitae Variant Classification Sherloc (09022015). Collection method: clinical testing. Allele origin: germline.